The following is an entry in ClinVar:

ClinVar aggregate classification (germline): Likely benign. Review status: criteria provided, multiple submitters, no conflicts (2 of 4 stars). 4 submissions from 4 submitters: Likely benign (3). 1 of the submissions does not count toward it. Last evaluated 2026-01-26.

Conditions:
Dyskeratosis congenita, autosomal recessive 5 (DKCB5). Identifiers: MedGen C3554656, MONDO:0014076, OMIM 615190.
Pulmonary fibrosis and/or bone marrow failure, Telomere-related, 3. Also called: PULMONARY FIBROSIS AND/OR BONE MARROW FAILURE SYNDROME, TELOMERE-RELATED, 3. Identifiers: Orphanet 2032, MedGen C4225346, MONDO:0014613, OMIM 616373.
Inborn genetic diseases. Identifiers: MedGen C0950123, MeSH D030342.
Dyskeratosis congenita. Identifiers: Orphanet 1775, MedGen C0265965, MONDO:0015780.

Allele frequency attached by ClinVar (database versions not stated): gnomAD 0.00004; ExAC 0.00006; gnomAD exomes 0.00007; TOPMed 0.00007.
gnomAD v4.1: 68 of 1,611,892 alleles (0.0042%); highest among the groups gnomAD compares: South Asian, 0.023%; no homozygotes.

Submissions (4):

Labcorp Genetics (formerly Invitae), Labcorp
Classification: Likely benign for Dyskeratosis congenita, autosomal recessive 5; Pulmonary fibrosis and/or bone marrow failure, Telomere-related, 3. Last evaluated: 2026-01-26. Review status: criteria provided, single submitter. Criteria: Invitae Variant Classification Sherloc (09022015). Collection method: clinical testing. Allele origin: germline.

Mayo Clinic Laboratories, Mayo Clinic
Classification: Likely benign. Last evaluated: 2025-05-14. Review status: criteria provided, single submitter. Criteria: ACMG Guidelines, 2015. Collection method: clinical testing. Allele origin: germline. Observed: 1 variant allele.
Comment: BP4, BP7

Ambry Genetics
Classification: Likely benign for Inborn genetic diseases. Last evaluated: 2024-05-14. Review status: criteria provided, single submitter. Criteria: Ambry Variant Classification Scheme 2023. Collection method: clinical testing. Allele origin: germline.

Natera, Inc.
Classification: Uncertain significance for Dyskeratosis congenita. Last evaluated: 2020-08-27. Review status: no assertion criteria provided. Collection method: clinical testing. Allele origin: germline. Not counted in ClinVar's aggregate classification.

NM_001283009.2(RTEL1):c.2085C>T (p.Ile695=)

Genes: RTEL1-TNFRSF6B (RTEL1-TNFRSF6B readthrough (NMD candidate); plus strand), RTEL1 (regulator of telomere elongation helicase 1; plus strand). Cytogenetic location: 20q13.33.
Variant type: single nucleotide variant.
Coding change: c.2085C>T on transcript NM_001283009.2 (MANE Select); coding-DNA position 2085, C replaced by T.
Protein change: p.Ile695=; no amino-acid change (isoleucine 695 retained).
Molecular consequence: synonymous variant. On other transcripts: non-coding transcript variant (1).
Genome position (GRCh38, 1-based): chr20:63,689,809, C>T. VCF-style: chr20-63689809-C-T. GRCh37 (hg19) VCF-style: chr20-62321162-C-T.
Other names: p.Ile719=; c.1416C>T, p.Ile472= (NM_001283010.1); c.2085C>T, p.Ile695= (NM_016434.4); c.2157C>T, p.Ile719= (NM_032957.5); c.2157C>T (NM_032957.4).
Identifiers: ClinVar variation 991705 (VCV000991705.12), dbSNP rs774642602, ClinGen allele CA9965159.
Genomic context (GRCh38, chr20:63,689,809, plus strand): 5'-GTTCCTCTCTGGGCAGGAGTGGTACCGGCAGCAGGCGTCCAGGGCTGTGAACCAGGCCAT[C>T]GGGCGAGTGATCCGGCACCGCCAGGACTACGGAGCTGTCTTCCTCTGTGACCACAGGTGC-3'
Protein context (NP_001269938.1, residues 685-705): QQASRAVNQA[Ile695=]GRVIRHRQDY